The following is an entry in ClinVar:

NM_019066.5(MAGEL2):c.1037G>A (p.Arg346Lys)

Gene: MAGEL2 (MAGE family member L2; minus strand). Cytogenetic location: 15q11.2.
Variant type: single nucleotide variant.
Coding change: c.1037G>A on transcript NM_019066.5 (MANE Select); coding-DNA position 1037, G replaced by A.
Protein change: p.Arg346Lys; replaces arginine 346 with lysine.
Molecular consequence: missense variant.
Genome position (GRCh38, 1-based): chr15:23,646,706, C>T on the plus strand (G>A on the coding strand, the complement: MAGEL2 is on the minus strand). VCF-style: chr15-23646706-C-T. GRCh37 (hg19) VCF-style: chr15-23891853-C-T.
Other names: c.1037G>A (NM_019066.4); short protein forms R346K.
Identifiers: ClinVar variation 1987394 (VCV001987394.3), dbSNP rs2503982275, ClinGen allele CA391335308.

ClinVar aggregate classification (germline): Uncertain significance. Review status: criteria provided, multiple submitters, no conflicts (2 of 4 stars). 2 submissions from 2 submitters: Uncertain significance (2). Last evaluated 2025-10-06.

Conditions:
MAGEL2-related disorder. Also called: MAGEL2-related condition.

gnomAD v4.1: 1 of 1,530,438 alleles (0.000065%); highest among the groups gnomAD compares: Non-Finnish European, 0.000087%; no homozygotes.

Submissions (2):

PreventionGenetics, part of Exact Sciences
Classification: Uncertain significance for MAGEL2-related condition. Last evaluated: 2025-10-06. Review status: criteria provided, single submitter. Criteria: ACMG Guidelines, 2015. Collection method: clinical testing. Allele origin: germline.
Comment: The MAGEL2 c.1037G>A variant is predicted to result in the amino acid substitution p.Arg346Lys. To our knowledge, this variant has not been reported in the literature or in a large population database, indicating this variant is rare. At this time, the clinical significance of this variant is uncertain due to the absence of conclusive functional and genetic evidence.

Labcorp Genetics (formerly Invitae), Labcorp
Classification: Uncertain significance. Last evaluated: 2022-03-20. Review status: criteria provided, single submitter. Criteria: Invitae Variant Classification Sherloc (09022015). Collection method: clinical testing. Allele origin: germline.
Comment: In summary, the available evidence is currently insufficient to determine the role of this variant in disease. Therefore, it has been classified as a Variant of Uncertain Significance. Experimental studies and prediction algorithms are not available or were not evaluated, and the functional significance of this variant is currently unknown. This variant has not been reported in the literature in individuals affected with MAGEL2-related conditions. This variant is not present in population databases (gnomAD no frequency). This sequence change replaces arginine, which is basic and polar, with lysine, which is basic and polar, at codon 346 of the MAGEL2 protein (p.Arg346Lys).